The following is an entry in ClinVar:

NM_001006630.2(CHRM2):c.952G>A (p.Glu318Lys)

Genes: CHRM2 (cholinergic receptor muscarinic 2; plus strand), LOC349160 (uncharacterized LOC349160; minus strand). Cytogenetic location: 7q33.
Variant type: single nucleotide variant.
Coding change: c.952G>A on transcript NM_001006630.2 (MANE Select); coding-DNA position 952, G replaced by A.
Protein change: p.Glu318Lys; replaces glutamic acid 318 with lysine.
Molecular consequence: missense variant.
Genome position (GRCh38, 1-based): chr7:137,015,817, G>A. VCF-style: chr7-137015817-G-A. GRCh37 (hg19) VCF-style: chr7-136700564-G-A.
Other names: c.952G>A, p.Glu318Lys (NM_000739.3, NM_001006626.3, NM_001006627.3 and 6 more transcripts); short protein forms E318K.
Identifiers: ClinVar variation 2100790 (VCV002100790.4), dbSNP rs1409906654, ClinGen allele CA369487642.
Genomic context (GRCh38, chr7:137,015,817, plus strand): 5'-GATGATGAAATAACCCAGGATGAAAACACAGTTTCCACTTCCCTGGGCCATTCCAAAGAT[G>A]AGAACTCTAAGCAAACATGCATCAGAATTGGCACCAAGACCCCAAAAAGTGACTCATGTA-3'
Protein context (NP_001006631.1, residues 308-328): VSTSLGHSKD[Glu318Lys]NSKQTCIRIG

ClinVar aggregate classification (germline): Uncertain significance (1 of 4 stars; one submission).

Allele frequency attached by ClinVar (database versions not stated): gnomAD exomes 0.00002; gnomAD 0.00001.
gnomAD v4.1: 10 of 1,612,892 alleles (0.00062%); highest among the groups gnomAD compares: East Asian, 0.0022%; no homozygotes.

Submission:

Labcorp Genetics (formerly Invitae), Labcorp
Classification: Uncertain significance. Last evaluated: 2022-08-01. Review status: criteria provided, single submitter. Criteria: Invitae Variant Classification Sherloc (09022015). Collection method: clinical testing. Allele origin: germline.
Comment: This sequence change replaces glutamic acid, which is acidic and polar, with lysine, which is basic and polar, at codon 318 of the CHRM2 protein (p.Glu318Lys). This variant is present in population databases (no rsID available, gnomAD 0.008%). This variant has not been reported in the literature in individuals affected with CHRM2-related conditions. Algorithms developed to predict the effect of missense changes on protein structure and function (SIFT, PolyPhen-2, Align-GVGD) all suggest that this variant is likely to be tolerated. In summary, the available evidence is currently insufficient to determine the role of this variant in disease. Therefore, it has been classified as a Variant of Uncertain Significance.